The following is an entry in ClinVar:

NM_003482.4(KMT2D):c.6313C>T (p.Arg2105Cys)

Gene: KMT2D (lysine methyltransferase 2D; minus strand). Cytogenetic location: 12q13.12.
Variant type: single nucleotide variant.
Coding change: c.6313C>T on transcript NM_003482.4 (MANE Select); coding-DNA position 6313, C replaced by T.
Protein change: p.Arg2105Cys; replaces arginine 2105 with cysteine.
Molecular consequence: missense variant.
Genome position (GRCh38, 1-based): chr12:49,041,457, G>A on the plus strand (C>T on the coding strand, the complement: KMT2D is on the minus strand). VCF-style: chr12-49041457-G-A. GRCh37 (hg19) VCF-style: chr12-49435240-G-A.
Other names: short protein forms R2105C.
Identifiers: ClinVar variation 1952977 (VCV001952977.6), dbSNP rs773708383, ClinGen allele CA6547300.
Genomic context (GRCh38, chr12:49,041,457, plus strand): 5'-AAATGGTGGGGGCAGCAGCGGGGGGCGGGCTGCCCAGTGCCCCTGGCTGCGGGGGAATGC[G>A]GAGATGTAGGGCCGGTCGGTCAGTCTTACGGGCTATGTCGCCCACCTTGGTCTGCTTGTT-3'
Protein context (NP_003473.3, residues 2095-2115): RKTDRPALHL[Arg2105Cys]IPPQPGALGS

ClinVar aggregate classification (germline): Likely benign. Review status: criteria provided, multiple submitters, no conflicts (2 of 4 stars). 2 submissions from 2 submitters: Likely benign (2). Last evaluated 2026-03-26.

Conditions:
Kabuki syndrome. Also called: Kabuki make-up syndrome; NIIKAWA-KUROKI SYNDROME. Identifiers: Orphanet 2322, MedGen C0796004, MONDO:0016512.
KMT2D-related disorder. Also called: KMT2D-Related Disorders.

Allele frequency attached by ClinVar (database versions not stated): TOPMed below 0.00001; ExAC 0.00001; gnomAD 0.00001; gnomAD exomes 0.00001.
gnomAD v4.1: 15 of 1,613,064 alleles (0.00093%); highest among the groups gnomAD compares: Non-Finnish European, 0.0012%; no homozygotes.

Submissions (2):

PreventionGenetics, part of Exact Sciences
Classification: Likely benign for KMT2D-related condition. Last evaluated: 2026-03-26. Review status: criteria provided, single submitter. Criteria: ACMG Guidelines, 2015. Collection method: clinical testing. Allele origin: germline.
Comment: This variant is classified as likely benign based on ACMG/AMP sequence variant interpretation guidelines (Richards et al. 2015 PMID: 25741868, with internal and published modifications).

Labcorp Genetics (formerly Invitae), Labcorp
Classification: Likely benign for Kabuki syndrome. Last evaluated: 2025-12-05. Review status: criteria provided, single submitter. Criteria: Invitae Variant Classification Sherloc (09022015). Collection method: clinical testing. Allele origin: germline.